The following is an entry in ClinVar:

NM_002861.5(PCYT2):c.797T>A (p.Met266Lys)

Gene: PCYT2 (phosphate cytidylyltransferase 2, ethanolamine; minus strand). Cytogenetic location: 17q25.3.
Variant type: single nucleotide variant.
Coding change: c.797T>A on transcript NM_002861.5 (MANE Select); coding-DNA position 797, T replaced by A.
Protein change: p.Met266Lys; replaces methionine 266 with lysine.
Molecular consequence: missense variant.
Genome position (GRCh38, 1-based): chr17:81,906,140, A>T on the plus strand (T>A on the coding strand, the complement: PCYT2 is on the minus strand). VCF-style: chr17-81906140-A-T. GRCh37 (hg19) VCF-style: chr17-79864016-A-T.
Other names: c.851T>A, p.Met284Lys (NM_001184917.3); c.635T>A, p.Met212Lys (NM_001256433.3); c.674T>A, p.Met225Lys (NM_001256434.3); c.563T>A, p.Met188Lys (NM_001256435.3, NM_001282203.2); c.701T>A, p.Met234Lys (NM_001282204.2); c.797T>A, p.Met266Lys (NM_001330518.2); short protein forms M266K, M188K, M284K, M212K, M225K, M234K.
Identifiers: ClinVar variation 3929833 (VCV003929833.3).
Genomic context (GRCh38, chr17:81,906,140, plus strand): 5'-GGCTCCTGGCCCCCACTCACCCGGCAGGCCAGCACGCTCAGAGTCCGTTCATGCAGATTC[A>T]TGATGGGGTAGTTCTTCCCCTTGTAGTGATTGACCTCCTGCGGCCAGAGTGCGGCTAGCT-3'
Protein context (NP_002852.1, residues 256-276): NHYKGKNYPI[Met266Lys]NLHERTLSVL

ClinVar aggregate classification (germline): Uncertain significance. Review status: criteria provided, multiple submitters, no conflicts (2 of 4 stars). 2 submissions from 2 submitters: Uncertain significance (2). Last evaluated 2025-04-10.

Conditions:
Spastic paraplegia 82, autosomal recessive (SPG82). Identifiers: Orphanet 631073, MedGen C5394037, MONDO:0032906, OMIM 618770.
Inborn genetic diseases. Identifiers: MedGen C0950123, MeSH D030342.

Submissions (2):

Ambry Genetics
Classification: Uncertain significance for Inborn genetic diseases. Last evaluated: 2025-04-10. Review status: criteria provided, single submitter. Criteria: Ambry Variant Classification Scheme 2023. Collection method: clinical testing. Allele origin: germline.

Juno Genomics, Hangzhou Juno Genomics, Inc
Classification: Uncertain significance for Spastic paraplegia 82, autosomal recessive. Review status: criteria provided, single submitter. Criteria: ACMG Guidelines, 2015. Collection method: clinical testing. Allele origin: germline.
Comment: Absent from controls (or at extremely low frequency if recessive) in Genome Aggregation Database.;Multiple lines of computational evidence support a deleterious effect on the gene or gene product.